The following is an entry in ClinVar:

NM_001113378.2(FANCI):c.3626_3627del (p.Cys1209fs)

Gene: FANCI (FA complementation group I; plus strand). Cytogenetic location: 15q26.1.
Variant type: Microsatellite.
Coding change: c.3626_3627del on transcript NM_001113378.2 (MANE Select); coding-DNA positions 3626 to 3627, 2 bases deleted (GT; older notation c.3626_3627delGT).
Protein change: p.Cys1209fs; shifts the reading frame from cysteine 1209.
Molecular consequence: frameshift variant.
Genome position (GRCh38, 1-based): chr15:89,307,647-89,307,648, GT deleted; deleting any 2 consecutive bases within chr15:89,307,644-89,307,648 gives the same sequence; the c. name uses the placement nearest the transcript's 3' end. VCF-style (leftmost placement, unchanged base first): chr15-89307643-CTG-C. GRCh37 (hg19) VCF-style: chr15-89850874-CTG-C.
Other names: c.3347_3348del, p.Cys1116fs (NM_001376910.1); c.3626_3627del, p.Cys1209fs (NM_001376911.1); c.3446_3447del, p.Cys1149fs (NM_018193.3); c.3623_3624delTG (NM_001113378.1); c.3626_3627delGT (NM_001113378.1); short protein forms C1149fs, C1209fs, C1116fs.
Identifiers: ClinVar variation 219634 (VCV000219634.11), dbSNP rs770318990, ClinGen allele CA348071.

ClinVar aggregate classification (germline): Pathogenic/Likely pathogenic. Review status: criteria provided, multiple submitters, no conflicts (2 of 4 stars). 4 submissions from 4 submitters: Pathogenic (2); Likely pathogenic (2). Last evaluated 2024-01-15.

Conditions:
Fanconi anemia (FA). Also called: Fanconi's anemia. Identifiers: Orphanet 84, MedGen C0015625, MeSH D005199, MONDO:0019391.
Fanconi anemia complementation group I (FANCI). Also called: FANCI-Related Fanconi Anemia. Identifiers: Orphanet 84, MedGen C1836861, MONDO:0012186, OMIM 609053.

Submissions (4):

Labcorp Genetics (formerly Invitae), Labcorp
Classification: Pathogenic for Fanconi anemia. Last evaluated: 2024-01-15. Review status: criteria provided, single submitter. Criteria: Invitae Variant Classification Sherloc (09022015). Collection method: clinical testing. Allele origin: germline.
Comment: This sequence change creates a premature translational stop signal (p.Cys1209Leufs*10) in the FANCI gene. It is expected to result in an absent or disrupted protein product. Loss-of-function variants in FANCI are known to be pathogenic (PMID: 17452773, 17460694). This variant is present in population databases (rs770318990, gnomAD 0.007%). This variant has not been reported in the literature in individuals affected with FANCI-related conditions. ClinVar contains an entry for this variant (Variation ID: 219634). For these reasons, this variant has been classified as Pathogenic.

Baylor Genetics
Classification: Likely pathogenic for Fanconi anemia complementation group I. Last evaluated: 2023-10-17. Review status: criteria provided, single submitter. Criteria: ACMG Guidelines, 2015. Collection method: clinical testing. Allele origin: unknown.

Women's Health and Genetics/Laboratory Corporation of America, LabCorp
Classification: Likely pathogenic for Fanconi anemia. Last evaluated: 2023-04-06. Review status: criteria provided, single submitter. Criteria: LabCorp Variant Classification Summary - May 2015. Collection method: clinical testing. Allele origin: germline.
Comment: Variant summary: FANCI c.3626_3627delGT (p.Cys1209LeufsX10) results in a premature termination codon, predicted to cause a truncation of the encoded protein or absence of the protein due to nonsense mediated decay, which are commonly known mechanisms for disease. Truncations downstream of this position have been classified as pathogenic in ClinVar and associated with Fancomi Anemia in HGMD. The variant allele was found at a frequency of 4e-06 in 251472 control chromosomes. c.3626_3627delGT has been reported in the literature in families with hereditary breast and ovarian cancer (Tavera-Tapia_2017, Quezada-Urban_2018, etc.). To our knowledge, no experimental evidence demonstrating an impact on protein function has been reported. Two clinical diagnostic laboratories have submitted clinical-significance assessments for this variant to ClinVar after 2014 without evidence for independent evaluation. All laboratories classified the variant as pathogenic (n=2). Based on the evidence outlined above, the variant was classified as likely pathogenic.

Fulgent Genetics
Classification: Pathogenic for Fanconi anemia complementation group I. Last evaluated: 2022-05-04. Review status: criteria provided, single submitter. Criteria: ACMG Guidelines, 2015. Collection method: clinical testing. Allele origin: unknown.

Literature cited by the submitters: PubMed 17452773 (cited by Labcorp Genetics (formerly Invitae), Labcorp); PubMed 17460694 (cited by Labcorp Genetics (formerly Invitae), Labcorp); PubMed 26689913 (cited by Women's Health and Genetics/Laboratory Corporation of America, LabCorp); PubMed 27913932 (cited by Women's Health and Genetics/Laboratory Corporation of America, LabCorp); PubMed 30262796 (cited by Women's Health and Genetics/Laboratory Corporation of America, LabCorp); PubMed 31589614 (cited by Women's Health and Genetics/Laboratory Corporation of America, LabCorp).